The following is an entry in ClinVar:

ClinVar aggregate classification (germline): Uncertain significance. Review status: criteria provided, multiple submitters, no conflicts (2 of 4 stars). 2 submissions from 2 submitters: Uncertain significance (2). Last evaluated 2025-01-28.

Conditions:
Hereditary cancer-predisposing syndrome. Also called: Tumor predisposition; Hereditary neoplastic syndrome; Neoplastic Syndromes, Hereditary; Hereditary Cancer Syndrome. Identifiers: Orphanet 140162, MedGen C0027672, MeSH D009386, MONDO:0015356.

Allele frequency attached by ClinVar (database versions not stated): gnomAD exomes below 0.00001.
gnomAD v4.1: 1 of 1,614,092 alleles (0.000062%); highest among the groups gnomAD compares: Non-Finnish European, 0.000085%; no homozygotes.

Submissions (2):

Ambry Genetics
Classification: Uncertain significance for Hereditary cancer-predisposing syndrome. Last evaluated: 2025-01-28. Review status: criteria provided, single submitter. Criteria: Ambry Variant Classification Scheme 2023. Collection method: clinical testing. Allele origin: germline.
Comment: The p.W1802C variant (also known as c.5406G>C), located in coding exon 40 of the POLE gene, results from a G to C substitution at nucleotide position 5406. The tryptophan at codon 1802 is replaced by cysteine, an amino acid with highly dissimilar properties. This amino acid position is conserved. In addition, the in silico prediction for this alteration is inconclusive. Based on the available evidence, the clinical significance of this variant remains unclear.

Labcorp Genetics (formerly Invitae), Labcorp
Classification: Uncertain significance. Last evaluated: 2023-12-09. Review status: criteria provided, single submitter. Criteria: Invitae Variant Classification Sherloc (09022015). Collection method: clinical testing. Allele origin: germline.
Comment: This sequence change replaces tryptophan, which is neutral and slightly polar, with cysteine, which is neutral and slightly polar, at codon 1802 of the POLE protein (p.Trp1802Cys). This variant is not present in population databases (gnomAD no frequency). This variant has not been reported in the literature in individuals affected with POLE-related conditions. ClinVar contains an entry for this variant (Variation ID: 1361334). Advanced modeling of protein sequence and biophysical properties (such as structural, functional, and spatial information, amino acid conservation, physicochemical variation, residue mobility, and thermodynamic stability) performed at Invitae indicates that this missense variant is not expected to disrupt POLE protein function with a negative predictive value of 80%. In summary, the available evidence is currently insufficient to determine the role of this variant in disease. Therefore, it has been classified as a Variant of Uncertain Significance.

NM_006231.4(POLE):c.5406G>C (p.Trp1802Cys)

Gene: POLE (DNA polymerase epsilon, catalytic subunit; minus strand). Cytogenetic location: 12q24.33.
Variant type: single nucleotide variant.
Coding change: c.5406G>C on transcript NM_006231.4 (MANE Select); coding-DNA position 5406, G replaced by C.
Protein change: p.Trp1802Cys; replaces tryptophan 1802 with cysteine.
Molecular consequence: missense variant.
Genome position (GRCh38, 1-based): chr12:132,639,271, C>G on the plus strand (G>C on the coding strand, the complement: POLE is on the minus strand). VCF-style: chr12-132639271-C-G. GRCh37 (hg19) VCF-style: chr12-133215857-C-G.
Other names: c.5406G>C (NM_006231.2); short protein forms W1802C.
Identifiers: ClinVar variation 1361334 (VCV001361334.7), dbSNP rs2138511070, ClinGen allele CA387375040.